The following is an entry in ClinVar:

ClinVar aggregate classification (germline): Pathogenic/Likely pathogenic. Review status: criteria provided, multiple submitters, no conflicts (2 of 4 stars). 2 submissions from 2 submitters: Pathogenic (1); Likely pathogenic (1). Last evaluated 2025-05-21.

Conditions:
Duchenne muscular dystrophy (DMD). Also called: MUSCULAR DYSTROPHY, PSEUDOHYPERTROPHIC PROGRESSIVE, DUCHENNE TYPE; Duchenne Muscular Dystrophy (DMD). Identifiers: Orphanet 98896, MedGen C0013264, MONDO:0010679, OMIM 310200.

Submissions (2):

Revvity Omics, Revvity
Classification: Likely pathogenic. Last evaluated: 2025-05-21. Review status: criteria provided, single submitter. Criteria: ACMG Guidelines, 2015. Collection method: clinical testing. Allele origin: germline.

Labcorp Genetics (formerly Invitae), Labcorp
Classification: Pathogenic for Duchenne muscular dystrophy. Last evaluated: 2022-07-05. Review status: criteria provided, single submitter. Criteria: Invitae Variant Classification Sherloc (09022015). Collection method: clinical testing. Allele origin: germline.
Comment: ClinVar contains an entry for this variant (Variation ID: 1383957). This variant has not been reported in the literature in individuals affected with DMD-related conditions. This variant is not present in population databases (gnomAD no frequency). This sequence change creates a premature translational stop signal (p.Gln3585*) in the DMD gene. It is expected to result in an absent or disrupted protein product. Loss-of-function variants in DMD are known to be pathogenic (PMID: 16770791, 25007885). For these reasons, this variant has been classified as Pathogenic.

Literature cited by the submitters: PubMed 16770791 (cited by Labcorp Genetics (formerly Invitae), Labcorp); PubMed 25007885 (cited by Labcorp Genetics (formerly Invitae), Labcorp).

NM_004006.3(DMD):c.10753C>T (p.Gln3585Ter)

Gene: DMD (dystrophin; minus strand). Cytogenetic location: Xp21.2.
Variant type: single nucleotide variant.
Coding change: c.10753C>T on transcript NM_004006.3 (MANE Select); coding-DNA position 10753, C replaced by T.
Protein change: p.Gln3585Ter; replaces glutamine 3585 with a stop codon.
Molecular consequence: nonsense.
Genome position (GRCh38, 1-based): chrX:31,147,319, G>A on the plus strand (C>T on the coding strand, the complement: DMD is on the minus strand). VCF-style: chrX-31147319-G-A. GRCh37 (hg19) VCF-style: chrX-31165436-G-A.
Other names: c.10753C>T (NM_004006.2); c.10729C>T, p.Gln3577Ter (NM_000109.4); c.10741C>T, p.Gln3581Ter (NM_004009.3); c.10384C>T, p.Gln3462Ter (NM_004010.3); c.6730C>T, p.Gln2244Ter (NM_004011.4); c.6721C>T, p.Gln2241Ter (NM_004012.4); c.3373C>T, p.Gln1125Ter (NM_004013.3, NM_004021.3); c.2566C>T, p.Gln856Ter (NM_004014.3); and 4 more; short protein forms Q2244*, Q3462*, Q3577*, Q3585*, Q856*, Q2241*, Q1015*, Q1112*.
Identifiers: ClinVar variation 1383957 (VCV001383957.7), dbSNP rs2147933949, ClinGen allele CA412649076.